The following is an entry in ClinVar:

NM_012431.3(SEMA3E):c.1484A>C (p.Glu495Ala)

Gene: SEMA3E (semaphorin 3E; minus strand). Cytogenetic location: 7q21.11.
Variant type: single nucleotide variant.
Coding change: c.1484A>C on transcript NM_012431.3 (MANE Select); coding-DNA position 1484, A replaced by C.
Protein change: p.Glu495Ala; replaces glutamic acid 495 with alanine.
Molecular consequence: missense variant.
Genome position (GRCh38, 1-based): chr7:83,394,313, T>G on the plus strand (A>C on the coding strand, the complement: SEMA3E is on the minus strand). VCF-style: chr7-83394313-T-G. GRCh37 (hg19) VCF-style: chr7-83023629-T-G.
Other names: c.1304A>C, p.Glu435Ala (NM_001178129.2); short protein forms E435A, E495A.
Identifiers: ClinVar variation 2001066 (VCV002001066.4), dbSNP rs2484295290, ClinGen allele CA367924278.
Genomic context (GRCh38, chr7:83,394,313, plus strand): 5'-ATATAGAACACACACACCTACACACACACACACACAGAACTTACCCGCTTTGAAGAAATC[T>G]CCATAGAAATAATAGGAACTGGATCCTGAAATTTTAAAAAAGTTTTCATTTTTAAGAAAA-3'
Protein context (NP_036563.1, residues 485-505): FKDPVPIISM[Glu495Ala]ISSKRQQLYI

ClinVar aggregate classification (germline): Uncertain significance (1 of 4 stars; one submission).

Conditions:
CHARGE syndrome (CHARGE). Also called: Hittner Hirsch Kreh syndrome; CHARGE ASSOCIATION--COLOBOMA, HEART ANOMALY, CHOANAL ATRESIA, RETARDATION, GENITAL AND EAR ANOMALIES; Coloboma, heart anomaly, choanal atresia, retardation, genital and ear anomalies; CHARGE association; Hall-Hittner syndrome. Identifiers: Orphanet 138, MedGen C0265354, MONDO:0008965.

Submission:

Labcorp Genetics (formerly Invitae), Labcorp
Classification: Uncertain significance for CHARGE syndrome. Last evaluated: 2022-05-30. Review status: criteria provided, single submitter. Criteria: Invitae Variant Classification Sherloc (09022015). Collection method: clinical testing. Allele origin: germline.
Comment: In summary, the available evidence is currently insufficient to determine the role of this variant in disease. Therefore, it has been classified as a Variant of Uncertain Significance. Algorithms developed to predict the effect of missense changes on protein structure and function are either unavailable or do not agree on the potential impact of this missense change (SIFT: "Deleterious"; PolyPhen-2: "Benign"; Align-GVGD: "Class C0"). This variant has not been reported in the literature in individuals affected with SEMA3E-related conditions. This variant is not present in population databases (gnomAD no frequency). This sequence change replaces glutamic acid, which is acidic and polar, with alanine, which is neutral and non-polar, at codon 495 of the SEMA3E protein (p.Glu495Ala).